The following is an entry in ClinVar:

ClinVar aggregate classification (germline): Uncertain significance (1 of 4 stars; one submission).

Conditions:
DICER1-related tumor predisposition. Also called: DICER1-related pleuropulmonary blastoma cancer predisposition syndrome; DICER1 syndrome. Identifiers: Orphanet 284343, MedGen C3839822, MONDO:0100216.

Submission:

Labcorp Genetics (formerly Invitae), Labcorp
Classification: Uncertain significance for DICER1-related tumor predisposition. Last evaluated: 2018-09-10. Review status: criteria provided, single submitter. Criteria: Invitae Variant Classification Sherloc (09022015). Collection method: clinical testing. Allele origin: germline.
Comment: Algorithms developed to predict the effect of missense changes on protein structure and function output the following: SIFT: "Deleterious"; PolyPhen-2: "Benign"; Align-GVGD: "Class C0". The glycine amino acid residue is found in multiple mammalian species, suggesting that this missense change does not adversely affect protein function. These predictions have not been confirmed by published functional studies and their clinical significance is uncertain. In summary, the available evidence is currently insufficient to determine the role of this variant in disease. Therefore, it has been classified as a Variant of Uncertain Significance. Algorithms developed to predict the effect of sequence changes on RNA splicing suggest that this variant may create or strengthen a splice site, but this prediction has not been confirmed by published transcriptional studies. This variant has not been reported in the literature in individuals with DICER1-related disease. This variant is not present in population databases (ExAC no frequency). This sequence change replaces valine with glycine at codon 1166 of the DICER1 protein (p.Val1166Gly). The valine residue is weakly conserved and there is a moderate physicochemical difference between valine and glycine.

NM_177438.3(DICER1):c.3497T>G (p.Val1166Gly)

Gene: DICER1 (dicer 1, ribonuclease III; minus strand). Cytogenetic location: 14q32.13.
Variant type: single nucleotide variant.
Coding change: c.3497T>G on transcript NM_177438.3 (MANE Select); coding-DNA position 3497, T replaced by G.
Protein change: p.Val1166Gly; replaces valine 1166 with glycine.
Molecular consequence: missense variant.
Genome position (GRCh38, 1-based): chr14:95,103,899, A>C on the plus strand (T>G on the coding strand, the complement: DICER1 is on the minus strand). VCF-style: chr14-95103899-A-C. GRCh37 (hg19) VCF-style: chr14-95570236-A-C.
Other names: c.3497T>G, p.Val1166Gly (NM_001195573.1, NM_001271282.3, NM_001291628.2 and 1 more transcripts); short protein forms V1166G.
Identifiers: ClinVar variation 648716 (VCV000648716.10), dbSNP rs1595366518, ClinGen allele CA390875176.